The following is an entry in ClinVar:

NM_001079802.2(FKTN):c.165+1516T>A

Gene: FKTN (fukutin; plus strand). Cytogenetic location: 9q31.2.
Variant type: single nucleotide variant.
Coding change: c.165+1516T>A on transcript NM_001079802.2 (MANE Select); 1516 bases into the intron after coding-DNA position 165, T replaced by A.
Molecular consequence: intron variant. On other transcripts: nonsense (1).
Genome position (GRCh38, 1-based): chr9:105,598,173, T>A. VCF-style: chr9-105598173-T-A. GRCh37 (hg19) VCF-style: chr9-108360454-T-A.
Other names: c.86T>A, p.Leu29Ter (NM_001351497.2); c.165+1516T>A (NM_006731.2, NM_001351496.2, NM_001198963.2 and 1 more transcripts); c.-350+1516T>A (NM_001351502.2, NM_001351499.2, NM_001351500.2 and 1 more transcripts); short protein forms L29*.
Identifiers: ClinVar variation 4821869 (VCV004821869.4).

ClinVar aggregate classification (germline): Uncertain significance (1 of 4 stars; one submission).

gnomAD v4.1: 4 of 466,780 alleles (0.00086%); highest among the groups gnomAD compares: Non-Finnish European, 0.0018%; no homozygotes.

Submission:

CeGaT Center for Human Genetics Tuebingen
Classification: Uncertain significance. Last evaluated: 2026-03-01. Review status: criteria provided, single submitter. Criteria: CeGaT Center For Human Genetics Tuebingen Variant Classification Criteria Version 2. Collection method: clinical testing. Allele origin: germline. Affected: yes. Observed: 1 variant allele.
Comment: FKTN: PM2, PVS1:Moderate